The following is an entry in ClinVar:

NM_004204.5(PIGQ):c.271G>A (p.Glu91Lys)

Gene: PIGQ (phosphatidylinositol glycan anchor biosynthesis class Q; plus strand). Cytogenetic location: 16p13.3.
Variant type: single nucleotide variant.
Coding change: c.271G>A on transcript NM_004204.5 (MANE Select); coding-DNA position 271, G replaced by A.
Protein change: p.Glu91Lys; replaces glutamic acid 91 with lysine.
Molecular consequence: missense variant.
Genome position (GRCh38, 1-based): chr16:574,345, G>A. VCF-style: chr16-574345-G-A. GRCh37 (hg19) VCF-style: chr16-624345-G-A.
Other names: c.271G>A, p.Glu91Lys (NM_148920.4); short protein forms E91K.
Identifiers: ClinVar variation 2201468 (VCV002201468.4), dbSNP rs750533490, ClinGen allele CA7779820.

ClinVar aggregate classification (germline): Uncertain significance (1 of 4 stars; one submission).

Conditions:
Epilepsy. Also called: Seizure disorder. Identifiers: MedGen C0014544, MeSH D004827, MONDO:0005027.

Allele frequency attached by ClinVar (database versions not stated): TOPMed below 0.00001.

Submission:

Labcorp Genetics (formerly Invitae), Labcorp
Classification: Uncertain significance for Epilepsy. Last evaluated: 2022-01-28. Review status: criteria provided, single submitter. Criteria: Invitae Variant Classification Sherloc (09022015). Collection method: clinical testing. Allele origin: germline.
Comment: This sequence change replaces glutamic acid, which is acidic and polar, with lysine, which is basic and polar, at codon 91 of the PIGQ protein (p.Glu91Lys). This variant has not been reported in the literature in individuals affected with PIGQ-related conditions. This variant is present in population databases (rs750533490, gnomAD 0.003%). Algorithms developed to predict the effect of missense changes on protein structure and function output the following: SIFT: "Tolerated"; PolyPhen-2: "Benign"; Align-GVGD: "Class C0". The lysine amino acid residue is found in multiple mammalian species, which suggests that this missense change does not adversely affect protein function. In summary, the available evidence is currently insufficient to determine the role of this variant in disease. Therefore, it has been classified as a Variant of Uncertain Significance.